The following is an entry in ClinVar:

ClinVar aggregate classification (germline): Uncertain significance (1 of 4 stars; one submission).

Submission:

Labcorp Genetics (formerly Invitae), Labcorp
Classification: Uncertain significance. Last evaluated: 2024-01-31. Review status: criteria provided, single submitter. Criteria: Invitae Variant Classification Sherloc (09022015). Collection method: clinical testing. Allele origin: germline.
Comment: This sequence change replaces glutamic acid, which is acidic and polar, with aspartic acid, which is acidic and polar, at codon 892 of the EGF protein (p.Glu892Asp). This variant is not present in population databases (gnomAD no frequency). This variant has not been reported in the literature in individuals affected with EGF-related conditions. An algorithm developed to predict the effect of missense changes on protein structure and function (PolyPhen-2) suggests that this variant is likely to be tolerated. In summary, the available evidence is currently insufficient to determine the role of this variant in disease. Therefore, it has been classified as a Variant of Uncertain Significance.

NM_001963.6(EGF):c.2676A>T (p.Glu892Asp)

Gene: EGF (epidermal growth factor; plus strand). Cytogenetic location: 4q25.
Variant type: single nucleotide variant.
Coding change: c.2676A>T on transcript NM_001963.6 (MANE Select); coding-DNA position 2676, A replaced by T.
Protein change: p.Glu892Asp; replaces glutamic acid 892 with aspartic acid.
Molecular consequence: missense variant. On other transcripts: intron variant (1).
Genome position (GRCh38, 1-based): chr4:109,988,651, A>T. VCF-style: chr4-109988651-A-T. GRCh37 (hg19) VCF-style: chr4-110909807-A-T.
Other names: c.2550A>T, p.Glu850Asp (NM_001178131.3); c.2366-4596A>T (NM_001357021.2); c.2676A>T, p.Glu892Asp (NM_001178130.3); short protein forms E850D, E892D.
Identifiers: ClinVar variation 3637861 (VCV003637861.2).